The following is an entry in ClinVar:

ClinVar aggregate classification (germline): Uncertain significance. Review status: criteria provided, multiple submitters, no conflicts (2 of 4 stars). 3 submissions from 3 submitters: Uncertain significance (3). Last evaluated 2026-03-27.

Conditions:
Inborn genetic diseases. Identifiers: MedGen C0950123, MeSH D030342.
Kleefstra syndrome 1 (KLEFS1). Identifiers: Orphanet 261494, MedGen C0795833, MONDO:0027407, OMIM 610253.

Allele frequency attached by ClinVar (database versions not stated): ExAC 0.00001.

Submissions (3):

Women's Health and Genetics/Laboratory Corporation of America, LabCorp
Classification: Uncertain significance. Last evaluated: 2026-03-27. Review status: criteria provided, single submitter. Criteria: LabCorp Variant Classification Summary - May 2015. Collection method: clinical testing. Allele origin: germline.
Comment: Variant summary: EHMT1 c.196C>G (p.His66Asp) results in a non-conservative amino acid change in the encoded protein sequence. Algorithms developed to predict the effect of missense changes on protein structure and function are either unavailable or do not agree on the potential impact of this missense change. The variant was absent in 250284 control chromosomes. The available data on variant occurrences in the general population are insufficient to allow any conclusion about variant significance. To our knowledge, no occurrence of c.196C>G in individuals affected with EHMT1-related conditions and no experimental evidence demonstrating its impact on protein function have been reported. ClinVar contains an entry for this variant (Variation ID: 2059805). Based on the evidence outlined above, the variant was classified as uncertain significance.

Ambry Genetics
Classification: Uncertain significance for Inborn genetic diseases. Last evaluated: 2025-04-29. Review status: criteria provided, single submitter. Criteria: Ambry Variant Classification Scheme 2023. Collection method: clinical testing. Allele origin: germline.

Labcorp Genetics (formerly Invitae), Labcorp
Classification: Uncertain significance for Kleefstra syndrome 1. Last evaluated: 2022-07-19. Review status: criteria provided, single submitter. Criteria: Invitae Variant Classification Sherloc (09022015). Collection method: clinical testing. Allele origin: germline.
Comment: In summary, the available evidence is currently insufficient to determine the role of this variant in disease. Therefore, it has been classified as a Variant of Uncertain Significance. Algorithms developed to predict the effect of missense changes on protein structure and function (SIFT, PolyPhen-2, Align-GVGD) all suggest that this variant is likely to be tolerated. This variant has not been reported in the literature in individuals affected with EHMT1-related conditions. This variant is not present in population databases (gnomAD no frequency). This sequence change replaces histidine, which is basic and polar, with aspartic acid, which is acidic and polar, at codon 66 of the EHMT1 protein (p.His66Asp).

NM_024757.5(EHMT1):c.196C>G (p.His66Asp)

Gene: EHMT1 (euchromatic histone lysine methyltransferase 1; plus strand). Cytogenetic location: 9q34.3.
Variant type: single nucleotide variant.
Coding change: c.196C>G on transcript NM_024757.5 (MANE Select); coding-DNA position 196, C replaced by G.
Protein change: p.His66Asp; replaces histidine 66 with aspartic acid.
Molecular consequence: missense variant.
Genome position (GRCh38, 1-based): chr9:137,716,736, C>G. VCF-style: chr9-137716736-C-G. GRCh37 (hg19) VCF-style: chr9-140611188-C-G.
Other names: c.196C>G, p.His66Asp (NM_001145527.2, NM_001354263.2, NM_001354611.2); c.103C>G, p.His35Asp (NM_001354259.2, NM_001354612.2); c.196C>G (NM_024757.4); short protein forms H35D, H66D.
Identifiers: ClinVar variation 2059805 (VCV002059805.6), dbSNP rs763024646, ClinGen allele CA5374211.